The following is an entry in ClinVar:

NM_000179.3(MSH6):c.3426G>T (p.Thr1142=)

Gene: MSH6 (mutS homolog 6; plus strand). Cytogenetic location: 2p16.3.
Variant type: single nucleotide variant.
Coding change: c.3426G>T on transcript NM_000179.3 (MANE Select); coding-DNA position 3426, G replaced by T.
Protein change: p.Thr1142=; no amino-acid change (threonine 1142 retained).
Molecular consequence: synonymous variant.
Genome position (GRCh38, 1-based): chr2:47,803,673, G>T. VCF-style: chr2-47803673-G-T. GRCh37 (hg19) VCF-style: chr2-48030812-G-T.
Other names: c.3036G>T, p.Thr1012= (NM_001281492.2); c.2520G>T, p.Thr840= (NM_001281493.2, NM_001281494.2); c.3426G>T (NM_000179.2).
Identifiers: ClinVar variation 1097405 (VCV001097405.11), dbSNP rs747771350, ClinGen allele CA346758944.

ClinVar aggregate classification (germline): Benign/Likely benign. Review status: criteria provided, multiple submitters, no conflicts (2 of 4 stars). 3 submissions from 3 submitters: Benign (1); Likely benign (2). Last evaluated 2025-07-02.

Conditions:
Hereditary nonpolyposis colorectal neoplasms. Identifiers: MedGen C0009405, MeSH D003123.
Hereditary cancer-predisposing syndrome. Also called: Tumor predisposition; Hereditary neoplastic syndrome; Hereditary Cancer Syndrome; Neoplastic Syndromes, Hereditary. Identifiers: Orphanet 140162, MedGen C0027672, MeSH D009386, MONDO:0015356.
Lynch syndrome 5 (LYNCH5). Also called: Hereditary non-polyposis colorectal cancer, type 5; Colorectal cancer, hereditary nonpolyposis, type 5. Identifiers: Orphanet 144, MedGen C1833477, MONDO:0013710, OMIM 614350. Disease mechanism: loss of function.

Submissions (3):

Labcorp Genetics (formerly Invitae), Labcorp
Classification: Likely benign for Hereditary nonpolyposis colorectal neoplasms. Last evaluated: 2025-07-02. Review status: criteria provided, single submitter. Criteria: Invitae Variant Classification Sherloc (09022015). Collection method: clinical testing. Allele origin: germline.

Myriad Genetics, Inc.
Classification: Benign for Lynch syndrome 5. Last evaluated: 2025-01-06. Review status: criteria provided, single submitter. Criteria: Myriad Autosomal Dominant, Autosomal Recessive and X-Linked Classification Criteria (2023). Collection method: clinical testing. Allele origin: unknown.
Comment: This variant is considered benign. This variant is a silent/synonymous amino acid change and it is not expected to impact splicing.

Ambry Genetics
Classification: Likely benign for Hereditary cancer-predisposing syndrome. Last evaluated: 2024-10-17. Review status: criteria provided, single submitter. Criteria: Ambry Variant Classification Scheme 2023. Collection method: clinical testing. Allele origin: germline.